The following is an entry in ClinVar:

ClinVar aggregate classification (germline): Uncertain significance (1 of 4 stars; one submission).

Allele frequency attached by ClinVar (database versions not stated): gnomAD 0.00001; TOPMed 0.00001.
gnomAD v4.1: 2 of 1,606,928 alleles (0.00012%); highest among the groups gnomAD compares: East Asian, 0.0022%; no homozygotes.

Submission:

Labcorp Genetics (formerly Invitae), Labcorp
Classification: Uncertain significance. Last evaluated: 2023-10-17. Review status: criteria provided, single submitter. Criteria: Invitae Variant Classification Sherloc (09022015). Collection method: clinical testing. Allele origin: germline.
Comment: This sequence change replaces methionine, which is neutral and non-polar, with threonine, which is neutral and polar, at codon 321 of the CFHR5 protein (p.Met321Thr). This variant is present in population databases (no rsID available, gnomAD 0.003%). This variant has not been reported in the literature in individuals affected with CFHR5-related conditions. Advanced modeling of protein sequence and biophysical properties (such as structural, functional, and spatial information, amino acid conservation, physicochemical variation, residue mobility, and thermodynamic stability) performed at Invitae indicates that this missense variant is not expected to disrupt CFHR5 protein function. In summary, the available evidence is currently insufficient to determine the role of this variant in disease. Therefore, it has been classified as a Variant of Uncertain Significance.

NM_030787.4(CFHR5):c.962T>C (p.Met321Thr)

Gene: CFHR5 (complement factor H related 5; plus strand). Cytogenetic location: 1q31.3.
Variant type: single nucleotide variant.
Coding change: c.962T>C on transcript NM_030787.4 (MANE Select); coding-DNA position 962, T replaced by C.
Protein change: p.Met321Thr; replaces methionine 321 with threonine.
Molecular consequence: missense variant.
Genome position (GRCh38, 1-based): chr1:196,996,193, T>C. VCF-style: chr1-196996193-T-C. GRCh37 (hg19) VCF-style: chr1-196965323-T-C.
Other names: short protein forms M321T.
Identifiers: ClinVar variation 2986112 (VCV002986112.3), dbSNP rs1338709670, ClinGen allele CA344006412.